The following is an entry in ClinVar:

ClinVar aggregate classification (germline): Uncertain significance (1 of 4 stars; one submission).

Conditions:
Hereditary cancer-predisposing syndrome. Also called: Neoplastic Syndromes, Hereditary; Tumor predisposition; Hereditary neoplastic syndrome; Hereditary Cancer Syndrome. Identifiers: Orphanet 140162, MedGen C0027672, MeSH D009386, MONDO:0015356.

Submission:

Ambry Genetics
Classification: Uncertain significance for Hereditary cancer-predisposing syndrome. Last evaluated: 2026-07-30. Review status: criteria provided, single submitter. Criteria: Ambry Variant Classification Scheme 2023. Collection method: clinical testing. Allele origin: germline.
Comment: The p.Y133H variant (also known as c.397T>C), located in coding exon 1 of the MEN1 gene, results from a T to C substitution at nucleotide position 397. The tyrosine at codon 133 is replaced by histidine, an amino acid with similar properties. This amino acid position is conserved. In addition, this alteration is predicted to be deleterious by in silico analysis. Based on the available evidence, the clinical significance of this variant remains unclear.

NM_001370259.2(MEN1):c.397T>C (p.Tyr133His)

Gene: MEN1 (menin 1; minus strand). Cytogenetic location: 11q13.1.
Variant type: single nucleotide variant.
Coding change: c.397T>C on transcript NM_001370259.2 (MANE Select); coding-DNA position 397, T replaced by C.
Protein change: p.Tyr133His; replaces tyrosine 133 with histidine.
Molecular consequence: missense variant. On other transcripts: non-coding transcript variant (4).
Genome position (GRCh38, 1-based): chr11:64,809,713, A>G on the plus strand (T>C on the coding strand, the complement: MEN1 is on the minus strand). VCF-style: chr11-64809713-A-G. GRCh37 (hg19) VCF-style: chr11-64577185-A-G.
Other names: c.397T>C, p.Tyr133His (NM_000244.4, NM_001370251.2, NM_001370260.2 and 20 more transcripts); short protein forms Y133H.
Identifiers: ClinVar variation 5024297 (VCV005024297.1).
Genomic context (GRCh38, chr11:64,809,713, plus strand): 5'-CTGGGCTCCAACCTGTGATGAAGCTGAAGAGGGACTGGATGTGGGCCCGATCCTTGAAGT[A>G]GGAGCGGCTGAGGCTGTTCCATATGACATCGGAGACCTTCTTCACCAGCTCACGGCTGGA-3'
Protein context (NP_001357188.2, residues 123-143): DVIWNSLSRS[Tyr133His]FKDRAHIQSL